The following is an entry in ClinVar:

NM_014855.3(AP5Z1):c.*250T>G

Gene: AP5Z1 (adaptor related protein complex 5 subunit zeta 1; plus strand). Cytogenetic location: 7p22.1.
Variant type: single nucleotide variant.
Coding change: c.*250T>G on transcript NM_014855.3 (MANE Select); 250 bases downstream of the stop codon, T replaced by G.
Molecular consequence: 3 prime UTR variant. On other transcripts: non-coding transcript variant (1).
Genome position (GRCh38, 1-based): chr7:4,791,635, T>G. VCF-style: chr7-4791635-T-G. GRCh37 (hg19) VCF-style: chr7-4831266-T-G.
Other names: c.*250T>G (LRG_1247t1, NM_001364858.1).
Identifiers: ClinVar variation 360351 (VCV000360351.8), dbSNP rs12154621, ClinGen allele CA10626165.

ClinVar aggregate classification (germline): Benign/Likely benign. Review status: criteria provided, multiple submitters, no conflicts (2 of 4 stars). 3 submissions from 3 submitters: Benign (1); Likely benign (2). Last evaluated 2018-08-07.

Conditions:
Hereditary spastic paraplegia 48. Also called: SPASTIC PARAPLEGIA 48, AUTOSOMAL RECESSIVE; Spastic paraplegia 48. Identifiers: Orphanet 306511, MedGen C3150901, MONDO:0013342, OMIM 613647.

Allele frequency attached by ClinVar (database versions not stated): gnomAD exomes 0.02663; 1000 Genomes Project 0.03674; 1000 Genomes Project 30x 0.03810; gnomAD 0.04386 and 0.04580; TOPMed 0.04643.
gnomAD v4.1: 17,752 of 566,660 alleles (3.1%); highest among the groups gnomAD compares: African/African-American, 9.7%; 454 homozygotes.

Submissions (3):

GeneDx
Classification: Benign. Last evaluated: 2018-08-07. Review status: criteria provided, single submitter. Criteria: GeneDx Variant Classification Process June 2021. Collection method: clinical testing. Allele origin: germline. Affected: yes.

Illumina Laboratory Services, Illumina
Classification: Likely benign for Hereditary spastic paraplegia 48. Last evaluated: 2017-04-27. Review status: criteria provided, single submitter. Criteria: ICSL Variant Classification Criteria 13 December 2019. Collection method: clinical testing. Allele origin: germline.
Comment: This variant was observed as part of a predisposition screen in an ostensibly healthy population. A literature search was performed for the gene, cDNA change, and amino acid change (where applicable). No publications were found based on this search. Allele frequency data from public databases allowed determination this variant is unlikely to cause disease. Therefore, this variant is classified as likely benign.

Breakthrough Genomics
Classification: Likely benign. Review status: criteria provided, single submitter. Criteria: ACMG Guidelines, 2015. Collection method: not provided. Allele origin: germline. Inheritance: Autosomal recessive inheritance. Affected: yes.